The following is an entry in ClinVar:

ClinVar aggregate classification (germline): Likely benign (1 of 4 stars; one submission).

Conditions:
HTT-related disorder. Also called: HTT-related condition.

Allele frequency attached by ClinVar (database versions not stated): gnomAD exomes below 0.00001; TOPMed below 0.00001; gnomAD 0.00001.
gnomAD v4.1: 4 of 1,613,964 alleles (0.00025%); highest among the groups gnomAD compares: East Asian, 0.0022%; no homozygotes.

Submission:

PreventionGenetics, part of Exact Sciences
Classification: Likely benign for HTT-related condition. Last evaluated: 2019-02-20. Review status: criteria provided, single submitter. Criteria: ACMG Guidelines, 2015. Collection method: clinical testing. Allele origin: germline.
Comment: This variant is classified as likely benign based on ACMG/AMP sequence variant interpretation guidelines (Richards et al. 2015 PMID: 25741868, with internal and published modifications).

NM_001388492.1(HTT):c.1008C>T (p.Gly336=)

Gene: HTT (huntingtin; plus strand). Cytogenetic location: 4p16.3.
Variant type: single nucleotide variant.
Coding change: c.1008C>T on transcript NM_001388492.1 (MANE Select); coding-DNA position 1008, C replaced by T.
Protein change: p.Gly336=; no amino-acid change (glycine 336 retained).
Molecular consequence: synonymous variant.
Genome position (GRCh38, 1-based): chr4:3,116,203, C>T. VCF-style: chr4-3116203-C-T. GRCh37 (hg19) VCF-style: chr4-3117930-C-T.
Other names: c.1014C>T, p.Gly338= (NM_002111.8).
Identifiers: ClinVar variation 3052706 (VCV003052706.1), dbSNP rs1441720749, ClinGen allele CA438117392.
Genomic context (GRCh38, chr4:3,116,203, plus strand): 5'-CACCCTGAGGTATTTGGTGCCCTTGCTGCAGCAGCAGGTCAAGGACACAAGCCTGAAAGG[C>T]AGCTTCGGAGTGACAAGGAAAGAAATGGAAGTCTCTCCTTCTGCAGAGCAGCTTGTCCAG-3'
Protein context (NP_001375421.1, residues 326-346): QQQVKDTSLK[Gly336=]SFGVTRKEME